The following is an entry in ClinVar:

NM_001330311.2(DVL1):c.96C>T (p.Asp32=)

Gene: DVL1 (dishevelled segment polarity protein 1; minus strand). Cytogenetic location: 1p36.33.
Variant type: single nucleotide variant.
Coding change: c.96C>T on transcript NM_001330311.2 (MANE Select); coding-DNA position 96, C replaced by T.
Protein change: p.Asp32=; no amino-acid change (aspartic acid 32 retained).
Molecular consequence: synonymous variant.
Genome position (GRCh38, 1-based): chr1:1,348,970, G>A on the plus strand (C>T on the coding strand, the complement: DVL1 is on the minus strand). VCF-style: chr1-1348970-G-A. GRCh37 (hg19) VCF-style: chr1-1284350-G-A.
Other names: c.96C>T, p.Asp32= (NM_004421.3).
Identifiers: ClinVar variation 5039902 (VCV005039902.1).

ClinVar aggregate classification (germline): Likely benign (1 of 4 stars; one submission).

gnomAD v4.1: 1 of 1,575,974 alleles (0.000063%); highest among the groups gnomAD compares: Non-Finnish European, 0.000086%; no homozygotes.

Submission:

CeGaT Center for Human Genetics Tuebingen
Classification: Likely benign. Last evaluated: 2026-07-01. Review status: criteria provided, single submitter. Criteria: CeGaT Center For Human Genetics Tuebingen Variant Classification Criteria Version 2. Collection method: clinical testing. Allele origin: germline. Affected: yes. Observed: 1 variant allele.
Comment: DVL1: BP4, BP7